The following is an entry in ClinVar:

ClinVar aggregate classification (germline): Uncertain significance. Review status: criteria provided, multiple submitters, no conflicts (2 of 4 stars). 3 submissions from 3 submitters: Uncertain significance (3). Last evaluated 2025-06-18.

Conditions:
Tuberous sclerosis syndrome (TSC). Also called: Tuberous Sclerosis Complex; Tuberous sclerosis. Identifiers: Orphanet 805, MedGen C0041341, MONDO:0001734.
Tuberous sclerosis 2 (TSC2). Identifiers: Orphanet 805, MedGen C1860707, MONDO:0013199, OMIM 613254.

Allele frequency attached by ClinVar (database versions not stated): gnomAD exomes below 0.00001.
gnomAD v4.1: 1 of 1,613,916 alleles (0.000062%); highest among the groups gnomAD compares: Non-Finnish European, 0.000085%; no homozygotes.

Submissions (3):

Quest Diagnostics Nichols Institute San Juan Capistrano
Classification: Uncertain significance. Last evaluated: 2025-06-18. Review status: criteria provided, single submitter. Criteria: Quest Diagnostics criteria. Collection method: clinical testing. Allele origin: unknown.

All of Us Research Program, National Institutes of Health
Classification: Uncertain significance for Tuberous sclerosis syndrome. Last evaluated: 2023-10-02. Review status: criteria provided, single submitter. Criteria: ACMG Guidelines, 2015. Collection method: clinical testing. Allele origin: germline. Inheritance: Autosomal dominant inheritance. Observed: 2 variant alleles, 2 heterozygotes.
Comment: This missense variant replaces glutamic acid with glutamine at codon 483 of the TSC2 protein. Computational prediction suggests that this variant may have deleterious impact on protein structure and function (internally defined REVEL score threshold >= 0.7, PMID: 27666373). To our knowledge, functional studies have not been reported for this variant. This variant has not been reported in individuals affected with TSC2-related disorders in the literature. This variant has not been identified in the general population by the Genome Aggregation Database (gnomAD). The available evidence is insufficient to determine the role of this variant in disease conclusively. Therefore, this variant is classified as a Variant of Uncertain Significance.

This study involves interpretation of variants in research participants for the purpose of population health screening. Participant phenotype was not available at the time of variant classification. Additional details can be found in publication PMID: 35346344, PMCID: PMC8962531

Labcorp Genetics (formerly Invitae), Labcorp
Classification: Uncertain significance for Tuberous sclerosis 2. Last evaluated: 2022-07-26. Review status: criteria provided, single submitter. Criteria: Invitae Variant Classification Sherloc (09022015). Collection method: clinical testing. Allele origin: germline.
Comment: In summary, the available evidence is currently insufficient to determine the role of this variant in disease. Therefore, it has been classified as a Variant of Uncertain Significance. Advanced modeling of protein sequence and biophysical properties (such as structural, functional, and spatial information, amino acid conservation, physicochemical variation, residue mobility, and thermodynamic stability) performed at Invitae indicates that this missense variant is not expected to disrupt TSC2 protein function. ClinVar contains an entry for this variant (Variation ID: 1424794). This variant has not been reported in the literature in individuals affected with TSC2-related conditions. This variant is not present in population databases (gnomAD no frequency). This sequence change replaces glutamic acid, which is acidic and polar, with glutamine, which is neutral and polar, at codon 483 of the TSC2 protein (p.Glu483Gln).

NM_000548.5(TSC2):c.1447G>C (p.Glu483Gln)

Gene: TSC2 (TSC complex subunit 2; plus strand). Cytogenetic location: 16p13.3.
Variant type: single nucleotide variant.
Coding change: c.1447G>C on transcript NM_000548.5 (MANE Select); coding-DNA position 1447, G replaced by C.
Protein change: p.Glu483Gln; replaces glutamic acid 483 with glutamine.
Molecular consequence: missense variant.
Genome position (GRCh38, 1-based): chr16:2,064,275, G>C. VCF-style: chr16-2064275-G-C. GRCh37 (hg19) VCF-style: chr16-2114276-G-C.
Other names: c.1447G>C, p.Glu483Gln (NM_001077183.3, NM_001114382.3, NM_001363528.2 and 3 more transcripts); c.1336G>C, p.Glu446Gln (NM_001318827.2); c.1300G>C, p.Glu434Gln (NM_001318829.2); c.847G>C, p.Glu283Gln (NM_001318831.2); c.1480G>C, p.Glu494Gln (NM_001318832.2); c.1447G>C (NM_000548.3); short protein forms E446Q, E494Q, E434Q, E483Q, E283Q.
Identifiers: ClinVar variation 1424794 (VCV001424794.10), dbSNP rs397515297, ClinGen allele CA394325437.